The following is an entry in ClinVar:

ClinVar aggregate classification (germline): Benign/Likely benign. Review status: criteria provided, multiple submitters, no conflicts (2 of 4 stars). 7 submissions from 7 submitters: Benign (1); Likely benign (6). Last evaluated 2026-01-21.

Conditions:
Colorectal cancer, susceptibility to, 12 (CRCS12). Also called: COLORECTAL CANCER, SUSCEPTIBILITY TO, ON CHROMOSOME 12q24. Identifiers: Orphanet 220460, MedGen C3554460, MONDO:0014038, OMIM 615083.
Hereditary cancer-predisposing syndrome. Also called: Hereditary Cancer Syndrome; Hereditary neoplastic syndrome; Neoplastic Syndromes, Hereditary; Tumor predisposition. Identifiers: Orphanet 140162, MedGen C0027672, MeSH D009386, MONDO:0015356.

Allele frequency attached by ClinVar (database versions not stated): gnomAD 0.00001 and 0.00002; TOPMed 0.00002; gnomAD exomes 0.00004 and 0.00005; ExAC 0.00005.
gnomAD v4.1: 69 of 1,609,880 alleles (0.0043%); highest among the groups gnomAD compares: Non-Finnish European, 0.0055%; no homozygotes.

Submissions (7):

Labcorp Genetics (formerly Invitae), Labcorp
Classification: Likely benign. Last evaluated: 2026-01-21. Review status: criteria provided, single submitter. Criteria: Invitae Variant Classification Sherloc (09022015). Collection method: clinical testing. Allele origin: germline.

Center for Genomic Medicine, Rigshospitalet, Copenhagen University Hospital
Classification: Likely benign. Last evaluated: 2025-03-04. Review status: criteria provided, single submitter. Criteria: ACMG Guidelines, 2015. Collection method: clinical testing. Allele origin: germline.

Myriad Genetics, Inc.
Classification: Benign for Colorectal cancer, susceptibility to, 12. Last evaluated: 2025-02-07. Review status: criteria provided, single submitter. Criteria: Myriad Autosomal Dominant, Autosomal Recessive and X-Linked Classification Criteria (2023). Collection method: clinical testing. Allele origin: unknown.
Comment: This variant is considered benign. This variant is a silent/synonymous amino acid change and it is not expected to impact splicing.

Sema4
Classification: Likely benign for Hereditary cancer-predisposing syndrome. Last evaluated: 2021-05-01. Review status: criteria provided, single submitter. Criteria: Sema4 Curation Guidelines. Collection method: curation. Allele origin: germline.

GeneDx
Classification: Likely benign. Last evaluated: 2019-11-06. Review status: criteria provided, single submitter. Criteria: GeneDx Variant Classification Process June 2021. Collection method: clinical testing. Allele origin: germline. Affected: yes.

Quest Diagnostics Nichols Institute San Juan Capistrano
Classification: Likely benign. Last evaluated: 2019-01-18. Review status: criteria provided, single submitter. Criteria: Quest Diagnostics criteria. Collection method: clinical testing. Allele origin: germline.

Ambry Genetics
Classification: Likely benign for Hereditary cancer-predisposing syndrome. Last evaluated: 2015-09-24. Review status: criteria provided, single submitter. Criteria: Ambry Variant Classification Scheme 2023. Collection method: clinical testing. Allele origin: germline.

NM_006231.4(POLE):c.996T>C (p.Phe332=)

Gene: POLE (DNA polymerase epsilon, catalytic subunit; minus strand). Cytogenetic location: 12q24.33.
Variant type: single nucleotide variant.
Coding change: c.996T>C on transcript NM_006231.4 (MANE Select); coding-DNA position 996, T replaced by C.
Protein change: p.Phe332=; no amino-acid change (phenylalanine 332 retained).
Molecular consequence: synonymous variant.
Genome position (GRCh38, 1-based): chr12:132,676,118, A>G on the plus strand (T>C on the coding strand, the complement: POLE is on the minus strand). VCF-style: chr12-132676118-A-G. GRCh37 (hg19) VCF-style: chr12-133252704-A-G.
Identifiers: ClinVar variation 383015 (VCV000383015.23), dbSNP rs779159186, ClinGen allele CA6894127.